The following is an entry in ClinVar:

NM_014845.6(FIG4):c.262C>T (p.Arg88Ter)

Gene: FIG4 (FIG4 phosphoinositide 5-phosphatase; plus strand). Cytogenetic location: 6q21.
Variant type: single nucleotide variant.
Coding change: c.262C>T on transcript NM_014845.6 (MANE Select); coding-DNA position 262, C replaced by T.
Protein change: p.Arg88Ter; replaces arginine 88 with a stop codon.
Molecular consequence: nonsense.
Genome position (GRCh38, 1-based): chr6:109,716,541, C>T. VCF-style: chr6-109716541-C-T. GRCh37 (hg19) VCF-style: chr6-110037744-C-T.
Other names: short protein forms R88*.
Identifiers: ClinVar variation 355036 (VCV000355036.18), dbSNP rs753207473, ClinGen allele CA3955720.
Genomic context (GRCh38, chr6:109,716,541, plus strand): 5'-GGCCGCTTGGATCTTGGAAATAGAACAAAGATGGGACAGAAAGGATCCTCGGGCTTATTT[C>T]GAGCGGTTTCAGCTTTTGGTGTTGTGGGTAAGAAATCTGCCCCCCTTCTTACAATCTCTT-3'

ClinVar aggregate classification (germline): Pathogenic. Review status: criteria provided, multiple submitters, no conflicts (2 of 4 stars). 4 submissions from 4 submitters: Pathogenic (3). 1 of the submissions does not count toward it. Last evaluated 2025-11-05.

Conditions:
Charcot-Marie-Tooth disease type 4. Also called: Charcot-Marie-Tooth disease, type IV; Charcot-Marie-Tooth, Type 4. Identifiers: Orphanet 64749, MedGen C4082197, MONDO:0018995.
Charcot-Marie-Tooth disease type 4J (CMT4J). Also called: CHARCOT-MARIE-TOOTH DISEASE, DEMYELINATING, TYPE 4J; Charcot-Marie-Tooth Neuropathy Type 4J; CHARCOT-MARIE-TOOTH DISEASE, AUTOSOMAL RECESSIVE, TYPE 4J. Identifiers: Orphanet 139515, MedGen C1970011, MONDO:0012640, OMIM 611228.
Amyotrophic lateral sclerosis type 11 (ALS11). Identifiers: Orphanet 803, MedGen C2675491, MONDO:0012945, OMIM 612577.
Yunis-Varon syndrome (YVS). Also called: Cleidocranial dysplasia, micrognathia, absent thumbs, & distal aphalangia. Identifiers: Orphanet 3472, MedGen C1857663, MONDO:0008995, OMIM 216340.
Bilateral parasagittal parieto-occipital polymicrogyria. Also called: Polymicrogyria, bilateral temporooccipital. Identifiers: Orphanet 208441, MedGen C4013648, MONDO:0012986, OMIM 612691.

Allele frequency attached by ClinVar (database versions not stated): TOPMed 0.00002; gnomAD 0.00003 and 0.00004.

Submissions (4):

Labcorp Genetics (formerly Invitae), Labcorp
Classification: Pathogenic for Charcot-Marie-Tooth disease type 4. Last evaluated: 2025-11-05. Review status: criteria provided, single submitter. Criteria: Invitae Variant Classification Sherloc (09022015). Collection method: clinical testing. Allele origin: germline.
Comment: This sequence change creates a premature translational stop signal (p.Arg88*) in the FIG4 gene. It is expected to result in an absent or disrupted protein product. Loss-of-function variants in FIG4 are known to be pathogenic (PMID: 23623387, 30740813). This variant is present in population databases (rs753207473, gnomAD 0.01%). This premature translational stop signal has been observed in individual(s) with clinical features of FIG4-related conditions (PMID: 33502061). ClinVar contains an entry for this variant (Variation ID: 355036). Algorithms developed to predict the effect of sequence changes on RNA splicing suggest that this variant may disrupt the consensus splice site. For these reasons, this variant has been classified as Pathogenic.

Mendelics
Classification: Pathogenic for Amyotrophic lateral sclerosis type 11. Last evaluated: 2019-05-28. Review status: criteria provided, single submitter. Criteria: Mendelics Assertion Criteria 2017. Collection method: clinical testing. Allele origin: unknown.

Juno Genomics, Hangzhou Juno Genomics, Inc
Classification: Pathogenic for Yunis-Varon syndrome; Bilateral parasagittal parieto-occipital polymicrogyria. Review status: criteria provided, single submitter. Criteria: ACMG Guidelines, 2015. Collection method: clinical testing. Allele origin: germline.
Comment: Absent from controls (or at extremely low frequency if recessive) in Genome Aggregation Database.;Null variant in a gene where loss of function (LOF) is a known mechanism of disease.;For recessive disorders, detected in trans with a pathogenic variant.

Center for Molecular Medicine, Children’s Hospital of Fudan University
Classification: Pathogenic for Charcot-Marie-Tooth disease type 4J. Last evaluated: 2021-10-05. Review status: no assertion criteria provided. Collection method: clinical testing. Allele origin: paternal. Affected: yes. Not counted in ClinVar's aggregate classification.

Literature cited by the submitters: PubMed 23623387 (cited by Labcorp Genetics (formerly Invitae), Labcorp); PubMed 30740813 (cited by Labcorp Genetics (formerly Invitae), Labcorp); PubMed 33502061 (cited by Labcorp Genetics (formerly Invitae), Labcorp).